The following is an entry in ClinVar:

ClinVar aggregate classification (germline): Likely pathogenic (1 of 4 stars; one submission).

Conditions:
Microcephaly 18, primary, autosomal dominant (MCPH18). Identifiers: MedGen C4479608, MONDO:0054593, OMIM 617520.

Submission:

Laboratorio de Genetica e Diagnostico Molecular, Hospital Israelita Albert Einstein
Classification: Likely pathogenic for Microcephaly 18, primary, autosomal dominant. Last evaluated: 2025-01-31. Review status: criteria provided, single submitter. Criteria: ACMG Guidelines, 2015. Collection method: clinical testing. Allele origin: germline. Affected: yes.
Comment: ACMG classification criteria: PVS1 very strong, PM2 supporting

NM_014991.6(WDFY3):c.2064_2065del (p.Phe689fs)

Genes: WDFY3 (WD repeat and FYVE domain containing 3; minus strand), WDFY3-AS1 (WDFY3 antisense RNA 1; plus strand). Cytogenetic location: 4q21.23.
Variant type: Microsatellite.
Coding change: c.2064_2065del on transcript NM_014991.6 (MANE Select); coding-DNA positions 2064 to 2065, 2 bases deleted (GT; older notation c.2064_2065delGT).
Protein change: p.Phe689fs; shifts the reading frame from phenylalanine 689.
Molecular consequence: frameshift variant. On other transcripts: non-coding transcript variant (1).
Genome position (GRCh38, 1-based): chr4:84,810,167-84,810,168, AC deleted on the plus strand (GT on the coding strand, the reverse complement: WDFY3 is on the minus strand); deleting any 2 consecutive bases within chr4:84,810,167-84,810,171 gives the same sequence; the c. name uses the placement nearest the transcript's 3' end. VCF-style (leftmost placement, unchanged base first): chr4-84810166-AAC-A. GRCh37 (hg19) VCF-style: chr4-85731319-AAC-A.
Other names: short protein forms F689fs.
Identifiers: ClinVar variation 4076312 (VCV004076312.1).